The following is an entry in ClinVar:

ClinVar aggregate classification (germline): Pathogenic (1 of 4 stars; one submission).

Conditions:
Hereditary breast ovarian cancer syndrome. Also called: Hereditary breast and ovarian cancer syndrome (HBOC); Hereditary breast and/or ovarian cancer syndrome; Hereditary breast and ovarian cancer; BRCA1- and BRCA2-Associated Hereditary Breast and Ovarian Cancer; Hereditary breast and ovarian cancer syndrome; Breast and ovarian cancer. Identifiers: Orphanet 145, MedGen C0677776, MeSH D061325, MONDO:0003582. Disease mechanism: loss of function.

Submission:

Labcorp Genetics (formerly Invitae), Labcorp
Classification: Pathogenic for Hereditary breast ovarian cancer syndrome. Last evaluated: 2020-06-08. Review status: criteria provided, single submitter. Criteria: Invitae Variant Classification Sherloc (09022015). Collection method: clinical testing. Allele origin: germline.
Comment: This variant is not present in population databases (ExAC no frequency). This sequence change creates a premature translational stop signal (p.Leu1600*) in the BRCA1 gene. It is expected to result in an absent or disrupted protein product. This variant has not been reported in the literature in individuals with BRCA1-related conditions. Loss-of-function variants in BRCA1 are known to be pathogenic (PMID: 20104584). For these reasons, this variant has been classified as Pathogenic.

Literature cited by the submitters: PubMed 20104584.

NM_007294.4(BRCA1):c.4799del (p.Ala1599_Leu1600insTer)

Gene: BRCA1 (BRCA1 DNA repair associated; minus strand). Cytogenetic location: 17q21.31.
Variant type: Deletion.
Coding change: c.4799del on transcript NM_007294.4 (MANE Select); coding-DNA position 4799, one base deleted (T; older notation c.4799delT).
Protein change: p.Ala1599_Leu1600insTer.
Molecular consequence: nonsense. On other transcripts: frameshift variant (364), non-coding transcript variant (1).
Genome position (GRCh38, 1-based): chr17:43,071,115, A deleted on the plus strand (T on the coding strand, the reverse complement: BRCA1 is on the minus strand); the first of 2 consecutive A bases (chr17:43,071,115-43,071,116); deleting either gives the same sequence. VCF-style (leftmost placement, unchanged base first): chr17-43071114-CA-C. GRCh37 (hg19) VCF-style: chr17-41223131-CA-C.
Other names: c.4585delT, p.Leu1529Terfs (NM_001407571.1, NM_001407894.1, NM_001407895.1 and 12 more transcripts); c.4864delT, p.Leu1622Terfs (NM_001407581.1, NM_001407582.1); c.4861delT, p.Leu1621Terfs (NM_001407583.1, NM_001407585.1, NM_001407587.1); c.4858delT, p.Leu1620Terfs (NM_001407590.1, NM_001407591.1); c.4798delT, p.Leu1600Terfs (NM_001407593.1, NM_001407594.1, NM_001407596.1 and 8 more transcripts); c.4795delT, p.Leu1599Terfs (NM_001407610.1, NM_001407611.1, NM_001407612.1 and 17 more transcripts); c.4792delT, p.Leu1598Terfs (NM_001407627.1, NM_001407628.1, NM_001407629.1 and 14 more transcripts); c.4789delT, p.Leu1597Terfs (NM_001407644.1, NM_001407645.1); and 73 more.
Identifiers: ClinVar variation 1070948 (VCV001070948.8), dbSNP rs587782392, ClinGen allele CA2499224396.